The following is an entry in ClinVar:

NM_001349338.3(FOXP1):c.1843A>G (p.Ser615Gly)

Gene: FOXP1 (forkhead box P1; minus strand). Cytogenetic location: 3p13.
Variant type: single nucleotide variant.
Coding change: c.1843A>G on transcript NM_001349338.3 (MANE Select); coding-DNA position 1843, A replaced by G.
Protein change: p.Ser615Gly; replaces serine 615 with glycine.
Molecular consequence: missense variant. On other transcripts: non-coding transcript variant (2).
Genome position (GRCh38, 1-based): chr3:70,965,936, T>C on the plus strand (A>G on the coding strand, the complement: FOXP1 is on the minus strand). VCF-style: chr3-70965936-T-C. GRCh37 (hg19) VCF-style: chr3-71015087-T-C.
Other names: c.1840A>G, p.Ser614Gly (NM_001244808.3, NM_001349341.3); c.1891A>G, p.Ser631Gly (NM_001244810.2); c.1615A>G, p.Ser539Gly (NM_001244812.3); c.1543A>G, p.Ser515Gly (NM_001244813.3, NM_001244815.2, NM_001349342.3); c.1843A>G, p.Ser615Gly (NM_001244814.3, NM_001244816.2, NM_001349340.3 and 1 more transcripts); c.1540A>G, p.Ser514Gly (NM_001349337.2, NM_001349343.3, NM_001349344.3 and 1 more transcripts); short protein forms S539G, S615G, S614G, S514G, S631G, S515G.
Identifiers: ClinVar variation 2088861 (VCV002088861.4), dbSNP rs1272638140, ClinGen allele CA353489501.

ClinVar aggregate classification (germline): Uncertain significance (1 of 4 stars; one submission).

Allele frequency attached by ClinVar (database versions not stated): gnomAD exomes below 0.00001.
gnomAD v4.1: 5 of 1,614,160 alleles (0.00031%); highest among the groups gnomAD compares: Non-Finnish European, 0.00034%; no homozygotes.

Submission:

Labcorp Genetics (formerly Invitae), Labcorp
Classification: Uncertain significance. Last evaluated: 2022-03-28. Review status: criteria provided, single submitter. Criteria: Invitae Variant Classification Sherloc (09022015). Collection method: clinical testing. Allele origin: germline.
Comment: In summary, the available evidence is currently insufficient to determine the role of this variant in disease. Therefore, it has been classified as a Variant of Uncertain Significance. Algorithms developed to predict the effect of missense changes on protein structure and function are either unavailable or do not agree on the potential impact of this missense change (SIFT: "Tolerated"; PolyPhen-2: "Possibly Damaging"; Align-GVGD: "Class C0"). This variant has not been reported in the literature in individuals affected with FOXP1-related conditions. This variant is present in population databases (no rsID available, gnomAD 0.0009%). This sequence change replaces serine, which is neutral and polar, with glycine, which is neutral and non-polar, at codon 615 of the FOXP1 protein (p.Ser615Gly).